The following is an entry in ClinVar:

NM_032383.5(HPS3):c.1408A>G (p.Lys470Glu)

Gene: HPS3 (HPS3 biogenesis of lysosomal organelles complex 2 subunit 1; plus strand). Cytogenetic location: 3q24.
Variant type: single nucleotide variant.
Coding change: c.1408A>G on transcript NM_032383.5 (MANE Select); coding-DNA position 1408, A replaced by G.
Protein change: p.Lys470Glu; replaces lysine 470 with glutamic acid.
Molecular consequence: missense variant.
Genome position (GRCh38, 1-based): chr3:149,155,114, A>G. VCF-style: chr3-149155114-A-G. GRCh37 (hg19) VCF-style: chr3-148872901-A-G.
Other names: c.913A>G, p.Lys305Glu (NM_001308258.2); short protein forms K305E, K470E.
Identifiers: ClinVar variation 1899004 (VCV001899004.2), dbSNP rs1723362578, ClinGen allele CA354919431.

ClinVar aggregate classification (germline): Uncertain significance (1 of 4 stars; one submission).

Submission:

Labcorp Genetics (formerly Invitae), Labcorp
Classification: Uncertain significance. Last evaluated: 2022-02-25. Review status: criteria provided, single submitter. Criteria: Invitae Variant Classification Sherloc (09022015). Collection method: clinical testing. Allele origin: germline.
Comment: This sequence change replaces lysine, which is basic and polar, with glutamic acid, which is acidic and polar, at codon 470 of the HPS3 protein (p.Lys470Glu). This variant is not present in population databases (gnomAD no frequency). This variant has not been reported in the literature in individuals affected with HPS3-related conditions. Algorithms developed to predict the effect of missense changes on protein structure and function (SIFT, PolyPhen-2, Align-GVGD) all suggest that this variant is likely to be tolerated. In summary, the available evidence is currently insufficient to determine the role of this variant in disease. Therefore, it has been classified as a Variant of Uncertain Significance.